The following is an entry in ClinVar:

ClinVar aggregate classification (germline): Pathogenic (0 of 4 stars; one submission).

Conditions:
Stargardt disease (FFM). Also called: Stargardt's disease; Fundus flavimaculatus. Identifiers: Orphanet 827, MedGen C0271093, MONDO:0019353.

Submission:

Ophthalmo-Genetics Lab, Instituto de Oftalmologia Conde de Valenciana
Classification: Pathogenic for Stargardt disease. Last evaluated: 2022-12-19. Review status: no assertion criteria provided. Collection method: research. Allele origin: biparental. Affected: yes. Observed: 1 compound heterozygote.
Comment: PP4, PM3, PVS1, PM2, PP2 ACMG CRITERIA

Literature cited by the submitters: PubMed 30578500.

NM_000350.3(ABCA4):c.768+1G>A

Gene: ABCA4 (ATP binding cassette subfamily A member 4; minus strand). Cytogenetic location: 1p22.1.
Variant type: single nucleotide variant.
Coding change: c.768+1G>A on transcript NM_000350.3 (MANE Select); the canonical splice donor site of the intron after coding-DNA position 768, G replaced by A.
Molecular consequence: splice donor variant.
Genome position (GRCh38, 1-based): chr1:94,098,793, C>T on the plus strand (G>A on the coding strand, the complement: ABCA4 is on the minus strand). VCF-style: chr1-94098793-C-T. GRCh37 (hg19) VCF-style: chr1-94564349-C-T.
Identifiers: ClinVar variation 1803948 (VCV001803948.1), dbSNP rs2523965353, ClinGen allele CA341288696.
Genomic context (GRCh38, chr1:94,098,793, plus strand): 5'-TGAGGCTCTGCTACCCCAGGAATCACCTTGCAATTGGCGAGCAGCCAAACCCCTCCCTTA[C>T]CACACGGAAGAGCTTGAAGAAGTCCACGTTGGCATACAGAGTGTCTTCTATCCACTGTAG-3'